The following is an entry in ClinVar:

ClinVar aggregate classification (germline): Uncertain significance. Review status: criteria provided, multiple submitters, no conflicts (2 of 4 stars). 3 submissions from 3 submitters: Uncertain significance (3). Last evaluated 2025-06-12.

Conditions:
Neurodevelopmental disorder with or without hyperkinetic movements and seizures, autosomal dominant. Also called: Intellectual disability, autosomal dominant 8. Identifiers: MedGen C3280282, MONDO:0013655, OMIM 614254.

Allele frequency attached by ClinVar (database versions not stated): gnomAD exomes below 0.00001.
gnomAD v4.1: 4 of 1,612,000 alleles (0.00025%); highest among the groups gnomAD compares: Non-Finnish European, 0.00034%; no homozygotes.

Submissions (3):

GeneDx
Classification: Uncertain significance. Last evaluated: 2025-06-12. Review status: criteria provided, single submitter. Criteria: GeneDx Variant Classification Process June 2021. Collection method: clinical testing. Allele origin: germline.
Comment: Not observed at significant frequency in large population cohorts (gnomAD); In silico analysis suggests that this missense variant does not alter protein structure/function; Has not been previously published as pathogenic or benign to our knowledge

Women's Health and Genetics/Laboratory Corporation of America, LabCorp
Classification: Uncertain significance. Last evaluated: 2023-08-29. Review status: criteria provided, single submitter. Criteria: LabCorp Variant Classification Summary - May 2015. Collection method: clinical testing. Allele origin: germline.
Comment: Variant summary: GRIN1 c.2054A>G (p.Lys685Arg) results in a conservative amino acid change located in the Ionotropic glutamate receptor, C-terminal (IPR00130) of the encoded protein sequence. Three of five in-silico tools predict a damaging effect of the variant on protein function. The variant allele was found at a frequency of 4.1e-06 in 244580 control chromosomes. The available data on variant occurrences in the general population are insufficient to allow any conclusion about variant significance. To our knowledge, no occurrence of c.2054A>G in individuals affected with Neurodevelopmental Disorder With Or Without Hyperkinetic Movements And Seizures, Autosomal Dominant and no experimental evidence demonstrating its impact on protein function have been reported. No submitters have cited clinical-significance assessments for this variant to ClinVar after 2014. Based on the evidence outlined above, the variant was classified as uncertain significance.

Labcorp Genetics (formerly Invitae), Labcorp
Classification: Uncertain significance for Neurodevelopmental disorder with or without hyperkinetic movements and seizures, autosomal dominant. Last evaluated: 2023-02-16. Review status: criteria provided, single submitter. Criteria: Invitae Variant Classification Sherloc (09022015). Collection method: clinical testing. Allele origin: germline.
Comment: In summary, the available evidence is currently insufficient to determine the role of this variant in disease. Therefore, it has been classified as a Variant of Uncertain Significance. This sequence change replaces lysine, which is basic and polar, with arginine, which is basic and polar, at codon 685 of the GRIN1 protein (p.Lys685Arg). This variant is present in population databases (no rsID available, gnomAD 0.0009%). This variant has not been reported in the literature in individuals affected with GRIN1-related conditions. Advanced modeling of protein sequence and biophysical properties (such as structural, functional, and spatial information, amino acid conservation, physicochemical variation, residue mobility, and thermodynamic stability) has been performed at Invitae for this missense variant, however the output from this modeling did not meet the statistical confidence thresholds required to predict the impact of this variant on GRIN1 protein function.

NM_007327.4(GRIN1):c.2054A>G (p.Lys685Arg)

Gene: GRIN1 (glutamate ionotropic receptor NMDA type subunit 1; plus strand). Cytogenetic location: 9q34.3.
Variant type: single nucleotide variant.
Coding change: c.2054A>G on transcript NM_007327.4 (MANE Select); coding-DNA position 2054, A replaced by G.
Protein change: p.Lys685Arg; replaces lysine 685 with arginine.
Molecular consequence: missense variant.
Genome position (GRCh38, 1-based): chr9:137,162,886, A>G. VCF-style: chr9-137162886-A-G. GRCh37 (hg19) VCF-style: chr9-140057338-A-G.
Other names: c.2054A>G, p.Lys685Arg (NM_000832.7, NM_021569.4); c.2117A>G, p.Lys706Arg (NM_001185090.2, NM_001185091.2); short protein forms K685R, K706R.
Identifiers: ClinVar variation 2581436 (VCV002581436.6), dbSNP rs1292632620, ClinGen allele CA375721988.